The following is an entry in ClinVar:

NM_006015.6(ARID1A):c.463G>A (p.Gly155Ser)

Gene: ARID1A (AT-rich interaction domain 1A; plus strand). Cytogenetic location: 1p36.11.
Variant type: single nucleotide variant.
Coding change: c.463G>A on transcript NM_006015.6 (MANE Select); coding-DNA position 463, G replaced by A.
Protein change: p.Gly155Ser; replaces glycine 155 with serine.
Molecular consequence: missense variant.
Genome position (GRCh38, 1-based): chr1:26,696,866, G>A. VCF-style: chr1-26696866-G-A. GRCh37 (hg19) VCF-style: chr1-27023357-G-A.
Other names: c.463G>A, p.Gly155Ser (NM_139135.4); short protein forms G155S.
Identifiers: ClinVar variation 5002588 (VCV005002588.1).

ClinVar aggregate classification (germline): Likely benign (1 of 4 stars; one submission).

Conditions:
ARID1A-related disorder. Also called: ARID1A-related condition.

gnomAD v4.1: 13 of 1,353,072 alleles (0.00096%); highest among the groups gnomAD compares: South Asian, 0.02%; no homozygotes.

Submission:

PreventionGenetics, part of Exact Sciences
Classification: Likely benign for ARID1A-related condition. Last evaluated: 2026-03-04. Review status: criteria provided, single submitter. Criteria: ACMG Guidelines, 2015. Collection method: clinical testing. Allele origin: germline.
Comment: This variant is classified as likely benign based on ACMG/AMP sequence variant interpretation guidelines (Richards et al. 2015 PMID: 25741868, with internal and published modifications).